The following is an entry in ClinVar:

ClinVar aggregate classification (germline): Uncertain significance. Review status: criteria provided, multiple submitters, no conflicts (2 of 4 stars). 12 submissions from 12 submitters: Uncertain significance (12). Last evaluated 2025-07-03.

Conditions:
Hypertrophic cardiomyopathy 1 (CMH1). Also called: Familial hypertrophic cardiomyopathy 1; MYH7-Related Familial Hypertrophic Cardiomyopathy. Identifiers: MedGen C3495498, MONDO:0008647, OMIM 192600.
MYH7-related skeletal myopathy. Also called: Laing distal myopathy; Myopathy, distal, 1; MYOPATHY, DISTAL, EARLY-ONSET, AUTOSOMAL DOMINANT; MYOPATHY, LATE DISTAL HEREDITARY; Laing early-onset distal myopathy. Identifiers: Orphanet 59135, MedGen C4552004, MONDO:0008050, OMIM 160500.
Myopathy, myosin storage, autosomal recessive (CMYO7B). Also called: CONGENITAL MYOPATHY 7B, MYOSIN STORAGE, AUTOSOMAL RECESSIVE. Identifiers: Orphanet 636970, MedGen C1850709, MONDO:0009708, OMIM 255160.
Myosin storage myopathy (CMYO7A). Also called: MYH7-related late-onset scapuloperoneal muscular dystrophy; Congenital myopathy 7A, myosin storage, autosomal dominant; MYOPATHY WITH LYSIS OF TYPE I MYOFIBRILS; Scapuloperoneal myopathy, MYH7-related; MYOPATHY, HYALINE BODY, AUTOSOMAL DOMINANT; SCAPULOPERONEAL MUSCULAR DYSTROPHY. Identifiers: Orphanet 437572, Orphanet 636965, MedGen C1842160, MONDO:0008409, OMIM 608358.
Congenital myopathy with fiber type disproportion. Also called: Congenital fiber-type disproportion myopathy; Congenital fiber-type disproportion. Identifiers: Orphanet 2020, MedGen C0546264, MONDO:0009711. Inheritance: all.
Dilated cardiomyopathy 1S (CMD1S). Identifiers: Orphanet 154, Orphanet 54260, MedGen C1834481, MONDO:0013262, OMIM 613426.
Cardiovascular phenotype. Identifiers: MedGen CN230736.
Sudden unexplained death. Identifiers: MedGen C0520806.
Cardiomyopathy (CMYO). Also called: Cardiomyopathies. Identifiers: Orphanet 167848, MedGen C0878544, MONDO:0004994, HP:0001638. Inheritance: Various modes of inheritance.
Hypertrophic cardiomyopathy. Also called: HYPERTROPHIC MYOCARDIOPATHY. Identifiers: Orphanet 217569, MedGen C0007194, MeSH D002312, MONDO:0005045, HP:0001639.

Allele frequency attached by ClinVar (database versions not stated): ExAC 0.00001; gnomAD 0.00001; gnomAD exomes 0.00001; TOPMed 0.00002.
gnomAD v4.1: 73 of 1,612,228 alleles (0.0045%); highest among the groups gnomAD compares: Non-Finnish European, 0.0057%; no homozygotes.

Submissions (12):

Ambry Genetics
Classification: Uncertain significance for Cardiovascular phenotype. Last evaluated: 2025-07-03. Review status: criteria provided, single submitter. Criteria: Ambry Variant Classification Scheme 2023. Collection method: clinical testing. Allele origin: germline.
Comment: The p.A1441S variant (also known as c.4321G>T), located in coding exon 29 of the MYH7 gene, results from a G to T substitution at nucleotide position 4321. The alanine at codon 1441 is replaced by serine, an amino acid with similar properties. This alteration has been reported as a secondary cardiac variant in exome cohorts; however, clinical details are limited (Ng D et al. Circ Cardiovasc Genet, 2013 Aug;6:337-46; Kurzlechner LM et al. J Pers Med, 2022 Apr;12:). This amino acid position is well conserved in available vertebrate species. In addition, this alteration is predicted to be tolerated by in silico analysis. Based on the available evidence, the clinical significance of this variant remains unclear.

Mayo Clinic Laboratories, Mayo Clinic
Classification: Uncertain significance. Last evaluated: 2025-02-08. Review status: criteria provided, single submitter. Criteria: ACMG Guidelines, 2015. Collection method: clinical testing. Allele origin: germline. Observed: 1 variant allele.

Labcorp Genetics (formerly Invitae), Labcorp
Classification: Uncertain significance for Hypertrophic cardiomyopathy. Last evaluated: 2025-02-03. Review status: criteria provided, single submitter. Criteria: Invitae Variant Classification Sherloc (09022015). Collection method: clinical testing. Allele origin: germline.
Comment: This sequence change replaces alanine, which is neutral and non-polar, with serine, which is neutral and polar, at codon 1441 of the MYH7 protein (p.Ala1441Ser). This variant is present in population databases (rs745414245, gnomAD 0.004%). This missense change has been observed in individual(s) with hypertrophic cardiomyopathy (PMID: 37652022). ClinVar contains an entry for this variant (Variation ID: 191728). Invitae Evidence Modeling of protein sequence and biophysical properties (such as structural, functional, and spatial information, amino acid conservation, physicochemical variation, residue mobility, and thermodynamic stability) has been performed for this missense variant. However, the output from this modeling did not meet the statistical confidence thresholds required to predict the impact of this variant on MYH7 protein function. In summary, the available evidence is currently insufficient to determine the role of this variant in disease. Therefore, it has been classified as a Variant of Uncertain Significance.

Women's Health and Genetics/Laboratory Corporation of America, LabCorp
Classification: Uncertain significance. Last evaluated: 2024-11-21. Review status: criteria provided, single submitter. Criteria: LabCorp Variant Classification Summary - May 2015. Collection method: clinical testing. Allele origin: germline.
Comment: Variant summary: MYH7 c.4321G>T (p.Ala1441Ser) results in a conservative amino acid change located in the Myosin tail domain (IPR002928) of the encoded protein sequence. Four of five in-silico tools predict a benign effect of the variant on protein function. The variant allele was found at a frequency of 4.5e-05 in 1606804 control chromosomes in the gnomAD database (v4.1 dataset). This frequency is not significantly higher than maximum estimated for a pathogenic variant in MYH7 causing Cardiomyopathy (0.0013), allowing no conclusion about variant significance. c.4321G>T has been reported in the literature in an individual affected with Cardiomyopathy, however no supportive evidence for causality was provided, in addition, the variant was also reported in several control individuals (e.g. McGurk_2023). These report(s) do not provide unequivocal conclusions about association of the variant with Cardiomyopathy. To our knowledge, no experimental evidence demonstrating an impact on protein function has been reported. The following publication have been ascertained in the context of this evaluation (PMID: 37652022). ClinVar contains an entry for this variant (Variation ID: 191728). Based on the evidence outlined above, the variant was classified as uncertain significance.

All of Us Research Program, National Institutes of Health
Classification: Uncertain significance for Cardiomyopathy. Last evaluated: 2024-08-13. Review status: criteria provided, single submitter. Criteria: ACMG Guidelines, 2015. Collection method: clinical testing. Allele origin: germline. Inheritance: Autosomal dominant inheritance. Observed: 11 variant alleles, 11 heterozygotes.
Comment: This missense variant replaces alanine with serine at codon 1441 of the MYH7 protein. Computational prediction suggests that this variant may not impact protein structure and function (internally defined REVEL score threshold <= 0.5, PMID: 27666373). To our knowledge, functional studies have not been reported for this variant. This variant has not been reported in individuals affected with MYH7-related disorders in the literature. This variant has been identified in 4/282828 chromosomes in the general population by the Genome Aggregation Database (gnomAD). The available evidence is insufficient to determine the role of this variant in disease conclusively. Therefore, this variant is classified as a Variant of Uncertain Significance.

This study involves interpretation of variants in research participants for the purpose of population health screening. Participant phenotype was not available at the time of variant classification. Additional details can be found in publication PMID: 35346344, PMCID: PMC8962531

GeneDx
Classification: Uncertain significance. Last evaluated: 2024-07-26. Review status: criteria provided, single submitter. Criteria: GeneDx Variant Classification Process June 2021. Collection method: clinical testing. Allele origin: germline. Affected: yes.
Comment: Not observed at significant frequency in large population cohorts (gnomAD); In silico analysis indicates that this missense variant does not alter protein structure/function; This variant is associated with the following publications: (PMID: 37652022)

Color Diagnostics, LLC DBA Color Health
Classification: Uncertain significance for Cardiomyopathy. Last evaluated: 2024-05-13. Review status: criteria provided, single submitter. Criteria: ACMG Guidelines, 2015. Collection method: clinical testing. Allele origin: germline.
Comment: This missense variant replaces alanine with serine at codon 1441 of the MYH7 protein. Computational prediction tools indicate that this variant has a neutral impact on protein structure and function. To our knowledge, functional studies have not been reported for this variant. This variant has not been reported in individuals affected with MYH7-related disorders in the literature. This variant has been identified in 4/282828 chromosomes in the general population by the Genome Aggregation Database (gnomAD). The available evidence is insufficient to determine the role of this variant in disease conclusively. Therefore, this variant is classified as a Variant of Uncertain Significance.

Blueprint Genetics
Classification: Uncertain significance. Last evaluated: 2022-06-23. Review status: criteria provided, single submitter. Criteria: ACMG Guidelines, 2015. Collection method: clinical testing. Allele origin: germline.

Phosphorus, Inc.
Classification: Uncertain significance. Last evaluated: 2022-01-14. Review status: criteria provided, single submitter. Criteria: ACMG Guidelines, 2015. Collection method: clinical testing. Allele origin: germline. Inheritance: Autosomal dominant inheritance.
Comment: This missense variant results in an amino acid substitution of alanine with serine at codon 1441 of the MYH7 gene. The variant has an entry in ClinVar (191728) NM_000257.4 (MYH7): c.4321G>T (p.Ala1441Ser) and has occurred in GnomAD with a total MAF of 0.0020% and highest MAF of 0.0036% in the European population. This position is conserved. In silico functional algorithms agreed, with PolyPhen calling it benign, and SIFT tolerated. The variant has not occurred in literature associated with disease. Considering that this is a rare variant, whose impact on the protein and association with disease are unknown, it has been classified as a Variant of Uncertain Significance.

Fulgent Genetics
Classification: Uncertain significance for MYH7-related skeletal myopathy; Myosin storage myopathy; Hypertrophic cardiomyopathy 1; Myopathy, myosin storage, autosomal recessive; Congenital myopathy 4A, autosomal dominant; Dilated cardiomyopathy 1S. Last evaluated: 2021-07-26. Review status: criteria provided, single submitter. Criteria: ACMG Guidelines, 2015. Collection method: clinical testing. Allele origin: unknown.

Agnes Ginges Centre for Molecular Cardiology, Centenary Institute
Classification: Uncertain significance for Sudden unexplained death. Last evaluated: 2019-01-16. Review status: criteria provided, single submitter. Criteria: ACMG Guidelines, 2015. Collection method: research. Allele origin: germline. Inheritance: Autosomal dominant inheritance. Affected: yes.
Comment: The MYH7 Ala1441Ser variant is located within the myosin tail region of the MYH7 gene and is observed in the Genome Aggregation Database, at an allele frequency of 0.000021. In silico tools SIFT, MutationTaster and PolyPhen-2 predict this variant to deleterious. No reports of this variant was found in the literature. Based on the adapted ACMG criteria (Kelly MA, et al., 2018) this variant is rare in the general population (PM2), and multiple in silico tools predict this variant to have a deleterious affect (PP3), therefore we classify MYH7 Ala1441Ser as a variant of 'uncertain significance'.

Biesecker Lab/Clinical Genomics Section, National Institutes of Health
Classification: Uncertain significance. Last evaluated: 2013-06-24. Review status: criteria provided, single submitter. Criteria: Ng et al. (Circ Cardiovasc Genet. 2013). Collection method: research. Allele origin: unknown. Observed: 1 variant allele. Study: ClinSeq.
Comment: The study set was not selected for affection status in relation to any cancer. Pathogenicity categories were based on literature curation. See Pubmed ID:23861362 for details.

Medical sequencing

Literature cited by the submitters: PubMed 23861362 (cited by Ambry Genetics); PubMed 35629155 (cited by Ambry Genetics); PubMed 37652022 (cited by 3 submitters).

NM_000257.4(MYH7):c.4321G>T (p.Ala1441Ser)

Genes: MHRT (myosin heavy chain associated RNA transcript; plus strand), MYH7 (myosin heavy chain 7; minus strand). Cytogenetic location: 14q11.2.
Variant type: single nucleotide variant.
Coding change: c.4321G>T on transcript NM_000257.4 (MANE Select); coding-DNA position 4321, G replaced by T.
Protein change: p.Ala1441Ser; replaces alanine 1441 with serine.
Molecular consequence: missense variant. On other transcripts: non-coding transcript variant (1).
Genome position (GRCh38, 1-based): chr14:23,417,535, C>A on the plus strand (G>T on the coding strand, the complement: MYH7 is on the minus strand). VCF-style: chr14-23417535-C-A. GRCh37 (hg19) VCF-style: chr14-23886744-C-A.
Other names: p.Ala1441Ser; c.4321G>T (LRG_384t1); short protein forms A1441S.
Identifiers: ClinVar variation 191728 (VCV000191728.27), dbSNP rs745414245, ClinGen allele CA014807.